The following is an entry in ClinVar:

NM_006206.6(PDGFRA):c.1780G>T (p.Val594Leu)

Gene: PDGFRA (platelet derived growth factor receptor alpha; plus strand). Cytogenetic location: 4q12.
Variant type: single nucleotide variant.
Coding change: c.1780G>T on transcript NM_006206.6 (MANE Select); coding-DNA position 1780, G replaced by T.
Protein change: p.Val594Leu; replaces valine 594 with leucine.
Molecular consequence: missense variant.
Genome position (GRCh38, 1-based): chr4:54,274,967, G>T. VCF-style: chr4-54274967-G-T. GRCh37 (hg19) VCF-style: chr4-55141134-G-T.
Other names: c.1780G>T, p.Val594Leu (NM_001347827.2, NM_001347829.2); c.1855G>T, p.Val619Leu (NM_001347828.2); c.1819G>T, p.Val607Leu (NM_001347830.2); short protein forms V594L, V607L, V619L.
Identifiers: ClinVar variation 4861734 (VCV004861734.1).

ClinVar aggregate classification (germline): Uncertain significance (1 of 4 stars; one submission).

Conditions:
Hereditary cancer-predisposing syndrome. Also called: Neoplastic Syndromes, Hereditary; Tumor predisposition; Hereditary Cancer Syndrome; Hereditary neoplastic syndrome. Identifiers: Orphanet 140162, MedGen C0027672, MeSH D009386, MONDO:0015356.

Submission:

Ambry Genetics
Classification: Uncertain significance for Hereditary cancer-predisposing syndrome. Last evaluated: 2026-04-16. Review status: criteria provided, single submitter. Criteria: Ambry Variant Classification Scheme 2023. Collection method: clinical testing. Allele origin: germline.
Comment: The p.V594L variant (also known as c.1780G>T), located in coding exon 11 of the PDGFRA gene, results from a G to T substitution at nucleotide position 1780. The valine at codon 594 is replaced by leucine, an amino acid with highly similar properties. This amino acid position is conserved. In addition, the in silico prediction for this alteration is inconclusive. Based on the available evidence, the clinical significance of this variant remains unclear.